The following is an entry in ClinVar:

NM_001267550.2(TTN):c.56472_56473del (p.Glu18826fs)

Genes: TTN-AS1 (TTN antisense RNA 1; plus strand), TTN (titin; minus strand). Cytogenetic location: 2q31.2.
Variant type: Deletion.
Coding change: c.56472_56473del on transcript NM_001267550.2 (MANE Select); coding-DNA positions 56472 to 56473, 2 bases deleted (AA; older notation c.56472_56473delAA).
Protein change: p.Glu18826fs; shifts the reading frame from glutamic acid 18826.
Molecular consequence: frameshift variant.
Genome position (GRCh38, 1-based): chr2:178,599,320-178,599,321, TT deleted on the plus strand (AA on the coding strand, the reverse complement: TTN is on the minus strand); deleting any 2 consecutive bases within chr2:178,599,320-178,599,323 gives the same sequence; the c. name uses the placement nearest the transcript's 3' end. VCF-style (leftmost placement, unchanged base first): chr2-178599319-CTT-C. GRCh37 (hg19) VCF-style: chr2-179464046-CTT-C.
Other names: c.51549_51550del, p.Glu17185fs (NM_001256850.1); c.29277_29278del, p.Glu9761fs (NM_003319.4); c.48768_48769del, p.Glu16258fs (NM_133378.4); c.29652_29653del, p.Glu9886fs (NM_133432.3); c.29853_29854del, p.Glu9953fs (NM_133437.4); c.29277_29278delAA (NM_003319.4); short protein forms E17185fs, E18826fs, E9953fs, E9761fs, E16258fs, E9886fs.
Identifiers: ClinVar variation 3463796 (VCV003463796.3).

ClinVar aggregate classification (germline): Likely pathogenic. Review status: criteria provided, multiple submitters, no conflicts (2 of 4 stars). 2 submissions from 2 submitters: Likely pathogenic (2). Last evaluated 2024-10-10.

Conditions:
Cardiovascular phenotype. Identifiers: MedGen CN230736.
Autosomal recessive limb-girdle muscular dystrophy type 2J (LGMDR10). Also called: MUSCULAR DYSTROPHY, LIMB-GIRDLE, AUTOSOMAL RECESSIVE 10; Limb-girdle muscular dystrophy, type 2J. Identifiers: Orphanet 140922, MedGen C1837342, MONDO:0012127, OMIM 608807.
Dilated cardiomyopathy 1G (CMD1G). Identifiers: Orphanet 154, MedGen C1858763, MONDO:0011400, OMIM 604145.

Submissions (2):

Ambry Genetics
Classification: Likely pathogenic for Cardiovascular phenotype. Last evaluated: 2024-10-10. Review status: criteria provided, single submitter. Criteria: Ambry Variant Classification Scheme 2023. Collection method: clinical testing. Allele origin: germline.
Comment: The c.29277_29278delAA variant, located in coding exon 117 of the TTN gene, results from a deletion of two nucleotides at nucleotide positions 29277 to 29278, causing a translational frameshift with a predicted alternate stop codon (p.E9761Sfs*2). This exon is located in the A-band region of the N2-B isoform of the titin protein and is constitutively expressed in TTN transcripts (percent spliced in or PSI 100%). This variant is considered to be rare based on population cohorts in the Genome Aggregation Database (gnomAD). This alteration is expected to result in loss of function by premature protein truncation or nonsense-mediated mRNA decay. While truncating variants in TTN are present in 1-3% of the general population, truncating variants in the A-band are the most common cause of dilated cardiomyopathy (DCM) (Herman DS et al. N. Engl. J. Med., 2012 Feb;366:619-28; Roberts AM et al. Sci Transl Med, 2015 Jan;7:270ra6). TTN truncating variants encoded in constitutive exons (PSI >90%) have been found to be significantly associated with DCM regardless of their position in titin (Schafer S et al. Nat. Genet., 2017 01;49:46-53). Based on the majority of available evidence to date, this variant is likely to be pathogenic.

Labcorp Genetics (formerly Invitae), Labcorp
Classification: Likely pathogenic for Dilated cardiomyopathy 1G; Autosomal recessive limb-girdle muscular dystrophy type 2J. Last evaluated: 2024-09-27. Review status: criteria provided, single submitter. Criteria: Invitae Variant Classification Sherloc (09022015). Collection method: clinical testing. Allele origin: germline.
Comment: This sequence change creates a premature translational stop signal (p.Glu18826Serfs*2) in the TTN gene. While this is not anticipated to result in nonsense mediated decay, it is expected to create a truncated TTN protein. This variant is not present in population databases (gnomAD no frequency). This premature translational stop signal has been observed in individual(s) with clinical features of dilated cardiomyopathy (internal data). This variant is located in the A band of TTN (PMID: 25589632). Truncating variants in this region are significantly overrepresented in patients affected with dilated cardiomyopathy (PMID: 25589632). Truncating variants in this region have also been reported in individuals affected with autosomal recessive centronuclear myopathy (PMID: 23975875). In summary, the currently available evidence indicates that the variant is pathogenic, but additional data are needed to prove that conclusively. Therefore, this variant has been classified as Likely Pathogenic.

Literature cited by the submitters: PubMed 25589632 (cited by Labcorp Genetics (formerly Invitae), Labcorp); PubMed 23975875 (cited by Labcorp Genetics (formerly Invitae), Labcorp).